The following is an entry in ClinVar:

NM_007294.4(BRCA1):c.62T>C (p.Ile21Thr)

Gene: BRCA1 (BRCA1 DNA repair associated; minus strand). Cytogenetic location: 17q21.31.
Variant type: single nucleotide variant.
Coding change: c.62T>C on transcript NM_007294.4 (MANE Select); coding-DNA position 62, T replaced by C.
Protein change: p.Ile21Thr; replaces isoleucine 21 with threonine.
Molecular consequence: missense variant. On other transcripts: 5 prime UTR variant (1), non-coding transcript variant (1).
Genome position (GRCh38, 1-based): chr17:43,124,035, A>G on the plus strand (T>C on the coding strand, the complement: BRCA1 is on the minus strand). VCF-style: chr17-43124035-A-G. GRCh37 (hg19) VCF-style: chr17-41276052-A-G.
Other names: c.-127T>C (NM_001407571.1, NM_001407853.1, NM_001407879.1 and 46 more transcripts); c.62T>C, p.Ile21Thr (NM_001407581.1, NM_001407582.1, NM_001407583.1 and 193 more transcripts); c.-196T>C (NM_001407694.1, NM_001407724.1, NM_001407727.1 and 11 more transcripts); c.-200T>C (NM_001407695.1, NM_001408465.1); c.-341T>C (NM_001407696.1); c.-225T>C (NM_001407697.1, NM_001407846.1, NM_001407920.1); c.-26T>C (NM_001407698.1, NM_001407732.1, NM_001407736.1 and 23 more transcripts); c.-199T>C (NM_001407725.1, NM_001407730.1, NM_001407734.1 and 22 more transcripts); and 8 more; short protein forms I21T.
Identifiers: ClinVar variation 865052 (VCV000865052.6), dbSNP rs1135401834, ClinGen allele CA10602031.

ClinVar aggregate classification (germline): Conflicting classifications of pathogenicity. Review status: criteria provided, conflicting classifications (1 of 4 stars). 2 submissions from 2 submitters: Uncertain significance (1); Likely benign (1). Last evaluated 2024-09-19.

Conditions:
Hereditary cancer-predisposing syndrome. Also called: Tumor predisposition; Hereditary Cancer Syndrome; Hereditary neoplastic syndrome; Neoplastic Syndromes, Hereditary. Identifiers: Orphanet 140162, MedGen C0027672, MeSH D009386, MONDO:0015356.
Hereditary breast ovarian cancer syndrome. Also called: Hereditary breast and/or ovarian cancer syndrome; BRCA1- and BRCA2-Associated Hereditary Breast and Ovarian Cancer; Hereditary breast and ovarian cancer syndrome; Hereditary breast and ovarian cancer; Hereditary breast and ovarian cancer syndrome (HBOC); Breast and ovarian cancer. Identifiers: Orphanet 145, MedGen C0677776, MeSH D061325, MONDO:0003582. Disease mechanism: loss of function.

Submissions (3):

Ambry Genetics
Classification: Likely benign for Hereditary cancer-predisposing syndrome. Last evaluated: 2024-09-19. Review status: criteria provided, single submitter. Criteria: Ambry Variant Classification Scheme 2023. Collection method: clinical testing. Allele origin: germline.

Labcorp Genetics (formerly Invitae), Labcorp
Classification: Uncertain significance for Hereditary breast ovarian cancer syndrome. Last evaluated: 2024-04-24. Review status: criteria provided, single submitter. Criteria: Invitae Variant Classification Sherloc (09022015). Collection method: clinical testing. Allele origin: germline.
Comment: This sequence change replaces isoleucine, which is neutral and non-polar, with threonine, which is neutral and polar, at codon 21 of the BRCA1 protein (p.Ile21Thr). This variant is not present in population databases (gnomAD no frequency). This variant has not been reported in the literature in individuals affected with BRCA1-related conditions. ClinVar contains an entry for this variant (Variation ID: 865052). Advanced modeling performed at Invitae incorporating data from internal and/or published experimental studies (PMID: 30209399) indicates that this missense variant is not expected to disrupt BRCA1 function with a negative predictive value of 95%. In summary, the available evidence is currently insufficient to determine the role of this variant in disease. Therefore, it has been classified as a Variant of Uncertain Significance.

Brotman Baty Institute, University of Washington
No classification provided (evidence only). Condition: Breast-ovarian cancer, familial 1. Review status: no classification provided. Collection method: in vitro. Allele origin: not applicable. Functional consequence: functionally_normal. Not counted in ClinVar's aggregate classification.
ClinVar note: "not provided" was previously submitted as the classification for the variant. However, the classification appeared to be based only on an observation of functional data so it was converted to no classification on 2025-07-30.

Literature cited by the submitters: PubMed 30209399 (cited by Labcorp Genetics (formerly Invitae), Labcorp).